The following is an entry in ClinVar:

NM_000359.3(TGM1):c.167C>T (p.Ala56Val)

Gene: TGM1 (transglutaminase 1; minus strand). Cytogenetic location: 14q12.
Variant type: single nucleotide variant.
Coding change: c.167C>T on transcript NM_000359.3 (MANE Select); coding-DNA position 167, C replaced by T.
Protein change: p.Ala56Val; replaces alanine 56 with valine.
Molecular consequence: missense variant.
Genome position (GRCh38, 1-based): chr14:24,262,186, G>A on the plus strand (C>T on the coding strand, the complement: TGM1 is on the minus strand). VCF-style: chr14-24262186-G-A. GRCh37 (hg19) VCF-style: chr14-24731392-G-A.
Other names: short protein forms A56V.
Identifiers: ClinVar variation 732193 (VCV000732193.21), dbSNP rs147479810, ClinGen allele CA7131528.
Genomic context (GRCh38, chr14:24,262,186, plus strand): 5'-CCAGAGCTGGACCCTCGACCCCTGGAGTCAGAGGGTTCAGGTCCCCAGTCGTCATCTGCC[G>A]CATTTCGGCATGAACAGCAGCCACAGCAGCGAGCCCAGAAGGAACGGCCTCCTCCTCTGC-3'
Protein context (NP_000350.1, residues 46-66): RCCGCCSCRN[Ala56Val]ADDDWGPEPS

ClinVar aggregate classification (germline): Conflicting classifications of pathogenicity. Review status: criteria provided, conflicting classifications (1 of 4 stars). 5 submissions from 5 submitters: Uncertain significance (2); Benign (1). 2 of the submissions do not count toward it. Last evaluated 2026-01-26.

Conditions:
TGM1-related disorder. Also called: TGM1-related condition.
Autosomal recessive congenital ichthyosis 1 (LI1). Also called: ICHTHYOSIS, CONGENITAL, AUTOSOMAL RECESSIVE 1, WITH BATHING SUIT DISTRIBUTION; COLLODION FETUS; DESQUAMATION OF NEWBORN; ICHTHYOSIS CONGENITA; ICHTHYOSIS CONGENITA II; LAMELLAR EXFOLIATION OF NEWBORN. Identifiers: MedGen C4551630, MONDO:0009441, OMIM 242300.

Allele frequency attached by ClinVar (database versions not stated): ESP Exome Variant Server 0.00008; gnomAD 0.00024 and 0.00041; TOPMed 0.00030; 1000 Genomes Project 30x 0.00250; 1000 Genomes Project 0.00300.
gnomAD v4.1: 383 of 1,613,756 alleles (0.024%); highest among the groups gnomAD compares: East Asian, 0.4%; 4 homozygotes.

Submissions (5):

Labcorp Genetics (formerly Invitae), Labcorp
Classification: Benign. Last evaluated: 2026-01-26. Review status: criteria provided, single submitter. Criteria: Invitae Variant Classification Sherloc (09022015). Collection method: clinical testing. Allele origin: germline.

GeneDx
Classification: Uncertain significance. Last evaluated: 2019-08-07. Review status: criteria provided, single submitter. Criteria: GeneDx Variant Classification Process June 2021. Collection method: clinical testing. Allele origin: germline. Affected: yes.
Comment: In silico analysis, which includes protein predictors and evolutionary conservation, supports that this variant does not alter protein structure/function; Has not been previously published as pathogenic or benign to our knowledge

Illumina Laboratory Services, Illumina
Classification: Uncertain significance for Autosomal recessive congenital ichthyosis 1. Last evaluated: 2017-04-27. Review status: criteria provided, single submitter. Criteria: ICSL Variant Classification Criteria 13 December 2019. Collection method: clinical testing. Allele origin: germline.

Natera, Inc.
Classification: Likely benign for Autosomal recessive congenital ichthyosis type 1. Last evaluated: 2020-06-22. Review status: no assertion criteria provided. Collection method: clinical testing. Allele origin: germline. Not counted in ClinVar's aggregate classification.

PreventionGenetics, part of Exact Sciences
Classification: Likely benign for TGM1-related condition. Last evaluated: 2019-05-28. Review status: no assertion criteria provided. Collection method: clinical testing. Allele origin: germline. Not counted in ClinVar's aggregate classification.
Comment: This variant is classified as likely benign based on ACMG/AMP sequence variant interpretation guidelines (Richards et al. 2015 PMID: 25741868, with internal and published modifications).